The following is an entry in ClinVar:

NM_002439.5(MSH3):c.1896+1del

Gene: MSH3 (mutS homolog 3; plus strand). Cytogenetic location: 5q14.1.
Variant type: Deletion.
Coding change: c.1896+1del on transcript NM_002439.5 (MANE Select); the canonical splice donor site of the intron after coding-DNA position 1896, one base deleted (G; older notation c.1896+1delG).
Molecular consequence: splice donor variant.
Genome position (GRCh38, 1-based): chr5:80,761,679, G deleted. VCF-style (leftmost placement, unchanged base first): chr5-80761678-AG-A. GRCh37 (hg19) VCF-style: chr5-80057497-AG-A.
Identifiers: ClinVar variation 3254365 (VCV003254365.1), dbSNP rs2546770130.

ClinVar aggregate classification (germline): Likely pathogenic (1 of 4 stars; one submission).

Conditions:
Familial adenomatous polyposis 4 (FAP4). Also called: MSH3-related attenuated familial adenomatous polyposis. Identifiers: Orphanet 480536, MedGen C4310719, MONDO:0044300, OMIM 617100.

Submission:

Myriad Genetics, Inc.
Classification: Likely pathogenic for Familial adenomatous polyposis 4. Last evaluated: 2024-04-09. Review status: criteria provided, single submitter. Criteria: Myriad Autosomal Dominant, Autosomal Recessive and X-Linked Classification Criteria (2023). Collection method: clinical testing. Allele origin: unknown.
Comment: This variant is considered likely pathogenic. This variant occurs within a consensus splice junction and is predicted to result in abnormal mRNA splicing of either an out-of-frame exon or an in-frame exon necessary for protein stability and/or normal function.